The following is an entry in ClinVar:

NM_000090.4(COL3A1):c.1472G>A (p.Arg491Gln)

Gene: COL3A1 (collagen type III alpha 1 chain; plus strand). Cytogenetic location: 2q32.2.
Variant type: single nucleotide variant.
Coding change: c.1472G>A on transcript NM_000090.4 (MANE Select); coding-DNA position 1472, G replaced by A.
Protein change: p.Arg491Gln; replaces arginine 491 with glutamine.
Molecular consequence: missense variant.
Genome position (GRCh38, 1-based): chr2:188,995,062, G>A. VCF-style: chr2-188995062-G-A. GRCh37 (hg19) VCF-style: chr2-189859788-G-A.
Other names: p.R491Q:CGA>CAA; short protein forms R491Q.
Identifiers: ClinVar variation 199722 (VCV000199722.17), dbSNP rs774551212, ClinGen allele CA004311.

ClinVar aggregate classification (germline): Conflicting classifications of pathogenicity. Review status: criteria provided, conflicting classifications (1 of 4 stars). 6 submissions from 6 submitters: Uncertain significance (5); Likely benign (1). Last evaluated 2025-11-06.

Conditions:
Ehlers-Danlos syndrome, type 4 (EDSVASC). Also called: Ehlers-Danlos syndrome vascular type; Ehlers Danlos syndrome, ecchymotic type; Ehlers Danlos syndrome, arterial type; Ehlers Danlos syndrome, Sack-Barabas type; Ehlers-Danlos Syndrome Type IV. Identifiers: Orphanet 286, MedGen C0268338, MONDO:0017314, OMIM 130050.
Familial thoracic aortic aneurysm and aortic dissection (TAAD). Also called: Thoracic aortic aneurysms and dissections. Identifiers: Orphanet 91387, MedGen C4707243, MONDO:0019625.

Allele frequency attached by ClinVar (database versions not stated): gnomAD exomes 0.00001; ExAC 0.00002; TOPMed 0.00002; gnomAD 0.00003.
gnomAD v4.1: 24 of 1,614,020 alleles (0.0015%); highest among the groups gnomAD compares: South Asian, 0.0033%; no homozygotes.

Submissions (6):

Labcorp Genetics (formerly Invitae), Labcorp
Classification: Uncertain significance for Ehlers-Danlos syndrome, type 4. Last evaluated: 2025-11-06. Review status: criteria provided, single submitter. Criteria: Invitae Variant Classification Sherloc (09022015). Collection method: clinical testing. Allele origin: germline.
Comment: This sequence change replaces arginine, which is basic and polar, with glutamine, which is neutral and polar, at codon 491 of the COL3A1 protein (p.Arg491Gln). This variant is present in population databases (rs774551212, gnomAD 0.006%). This missense change has been observed in individual(s) with atrial septal defect (ASD) and/or Ehlers-Danlos syndrome (PMID: 29907982, 30896870). ClinVar contains an entry for this variant (Variation ID: 199722). Invitae Evidence Modeling of protein sequence and biophysical properties (such as structural, functional, and spatial information, amino acid conservation, physicochemical variation, residue mobility, and thermodynamic stability) indicates that this missense variant is not expected to disrupt COL3A1 protein function with a negative predictive value of 95%. In summary, the available evidence is currently insufficient to determine the role of this variant in disease. Therefore, it has been classified as a Variant of Uncertain Significance.

CeGaT Center for Human Genetics Tuebingen
Classification: Uncertain significance. Last evaluated: 2025-08-01. Review status: criteria provided, single submitter. Criteria: CeGaT Center For Human Genetics Tuebingen Variant Classification Criteria Version 2. Collection method: clinical testing. Allele origin: germline. Affected: yes. Observed: 1 variant allele.
Comment: COL3A1: PM2

Color Diagnostics, LLC DBA Color Health
Classification: Uncertain significance for Familial thoracic aortic aneurysm and aortic dissection. Last evaluated: 2025-07-02. Review status: criteria provided, single submitter. Criteria: ACMG Guidelines, 2015. Collection method: clinical testing. Allele origin: germline.
Comment: This missense variant replaces arginine with glutamine at codon 491 of the COL3A1 protein. Computational prediction suggests that this variant may not impact protein structure and function. To our knowledge, functional studies have not been reported for this variant. This variant has been reported in an individual affected with thoracic aortic dissection, as well as in an unaffected family member (PMID: 29907982). This variant has also been reported in another individual affected with atrial septal defect and cleft palate (PMID: 30896870). This variant has been identified in 4/282726 chromosomes in the general population by the Genome Aggregation Database (gnomAD). The available evidence is insufficient to determine the role of this variant in disease conclusively. Therefore, this variant is classified as a Variant of Uncertain Significance.

All of Us Research Program, National Institutes of Health
Classification: Uncertain significance for Ehlers-Danlos syndrome, type 4. Last evaluated: 2023-12-01. Review status: criteria provided, single submitter. Criteria: ACMG Guidelines, 2015. Collection method: clinical testing. Allele origin: germline. Inheritance: Autosomal dominant inheritance. Observed: 5 variant alleles, 5 heterozygotes.
Comment: This missense variant replaces arginine with glutamine at codon 491 of the COL3A1 protein. Computational prediction suggests that this variant may not impact protein structure and function (internally defined REVEL score threshold <= 0.5, PMID: 27666373). To our knowledge, functional studies have not been reported for this variant. This variant has been reported in an individual affected with thoracic aortic dissection, as well as in an unaffected family member (PMID: 29907982). This variant has also been reported in another individual affected with atrial septal defect and cleft palate (PMID: 30896870). This variant has been identified in 4/282726 chromosomes in the general population by the Genome Aggregation Database (gnomAD). The available evidence is insufficient to determine the role of this variant in disease conclusively. Therefore, this variant is classified as a Variant of Uncertain Significance.

This study involves interpretation of variants in research participants for the purpose of population health screening. Participant phenotype was not available at the time of variant classification. Additional details can be found in publication PMID: 35346344, PMCID: PMC8962531

Ambry Genetics
Classification: Likely benign for Familial thoracic aortic aneurysm and aortic dissection. Last evaluated: 2023-05-16. Review status: criteria provided, single submitter. Criteria: Ambry Variant Classification Scheme 2023. Collection method: clinical testing. Allele origin: germline.

GeneDx
Classification: Uncertain significance. Last evaluated: 2020-09-11. Review status: criteria provided, single submitter. Criteria: GeneDx Variant Classification Process June 2021. Collection method: clinical testing. Allele origin: germline. Affected: yes.
Comment: Observed in a patient with history of carotid artery dissection (Overwater et al., 2018) and a patient with a congenital heart defect (ASD) and cleft palate in the published literature (Bu et al., 2019); Not observed at a significant frequency in large population cohorts (Lek et al., 2016); In silico analysis supports that this missense variant has a deleterious effect on protein structure/function; Occurs in the triple helical domain at the Y position in the canonical Gly-X-Y repeat; although this variant may have an effect on normal protein folding and function, missense substitution at the Y position is not a common mechanism of disease (Stenson et al., 2014); This variant is associated with the following publications: (PMID: 30896870, 29907982)

Literature cited by the submitters: PubMed 29907982 (cited by 4 submitters); PubMed 30896870 (cited by 4 submitters).